The following is an entry in ClinVar:

ClinVar aggregate classification (germline): Likely benign (1 of 4 stars; one submission).

Allele frequency attached by ClinVar (database versions not stated): TOPMed below 0.00001; gnomAD 0.00001; gnomAD exomes 0.00001; ExAC 0.00002.

Submission:

CeGaT Center for Human Genetics Tuebingen
Classification: Likely benign. Last evaluated: 2023-09-01. Review status: criteria provided, single submitter. Criteria: CeGaT Center For Human Genetics Tuebingen Variant Classification Criteria Version 2. Collection method: clinical testing. Allele origin: germline. Affected: yes. Observed: 1 variant allele.
Comment: KCNA1: BP4, BP7

NM_000217.3(KCNA1):c.216C>T (p.Tyr72=)

Gene: KCNA1 (potassium voltage-gated channel subfamily A member 1; plus strand). Cytogenetic location: 12p13.32.
Variant type: single nucleotide variant.
Coding change: c.216C>T on transcript NM_000217.3 (MANE Select); coding-DNA position 216, C replaced by T.
Protein change: p.Tyr72=; no amino-acid change (tyrosine 72 retained).
Molecular consequence: synonymous variant.
Genome position (GRCh38, 1-based): chr12:4,911,594, C>T. VCF-style: chr12-4911594-C-T. GRCh37 (hg19) VCF-style: chr12-5020760-C-T.
Identifiers: ClinVar variation 2642592 (VCV002642592.24), dbSNP rs748311101, ClinGen allele CA6399357.
Genomic context (GRCh38, chr12:4,911,594, plus strand): 5'-CAAGACCCTGGCGCAGTTCCCCAACACGCTGCTGGGCAACCCTAAGAAACGCATGCGCTA[C>T]TTCGACCCCCTGAGGAACGAGTACTTCTTCGACCGCAACCGGCCCAGCTTCGACGCCATC-3'
Protein context (NP_000208.2, residues 62-82): LLGNPKKRMR[Tyr72=]FDPLRNEYFF